The following is an entry in ClinVar:

ClinVar aggregate classification (germline): not provided (0 of 4 stars; one submission).

Allele frequency attached by ClinVar (database versions not stated): 1000 Genomes Project 30x 0.00016; 1000 Genomes Project 0.00020; TOPMed 0.00065; gnomAD 0.00066 and 0.00070; gnomAD exomes 0.00078.
gnomAD v4.1: 542 of 711,700 alleles (0.076%); highest among the groups gnomAD compares: Middle Eastern, 0.2%; 1 homozygote.

Submission:

Human Evolutionary Genetics, Institut Pasteur
No classification provided. Review status: no classification provided. Collection method: not provided. Allele origin: germline.
ClinVar note: Converted during submission from untested to not provided.

NM_001276700.2(NLRP6):c.2105+139C>T

Gene: NLRP6 (NLR family pyrin domain containing 6; plus strand). Cytogenetic location: 11p15.5.
Variant type: single nucleotide variant.
Coding change: c.2105+139C>T on transcript NM_001276700.2 (MANE Select); 139 bases into the intron after coding-DNA position 2105, C replaced by T.
Molecular consequence: intron variant.
Genome position (GRCh38, 1-based): chr11:281,978, C>T. VCF-style: chr11-281978-C-T. GRCh37 (hg19) VCF-style: chr11-281978-C-T.
Other names: c.2105+139C>T (NM_138329.2).
Identifiers: ClinVar variation 103236 (VCV000103236.2), dbSNP rs199475811, ClinGen allele CA230300.